The following is an entry in ClinVar:

NM_001077350.3(NPRL3):c.1023C>T (p.Ser341=)

Genes: HBA-LCR (alpha-globin locus control region; plus strand), NPRL3 (NPR3 like, GATOR1 complex subunit; minus strand). Cytogenetic location: 16p13.3.
Variant type: single nucleotide variant.
Coding change: c.1023C>T on transcript NM_001077350.3 (MANE Select); coding-DNA position 1023, C replaced by T.
Protein change: p.Ser341=; no amino-acid change (serine 341 retained).
Molecular consequence: synonymous variant.
Genome position (GRCh38, 1-based): chr16:93,227, G>A on the plus strand (C>T on the coding strand, the complement: NPRL3 is on the minus strand). VCF-style: chr16-93227-G-A. GRCh37 (hg19) VCF-style: chr16-143225-G-A.
Other names: c.486C>T, p.Ser162= (NM_001039476.3); c.789C>T, p.Ser263= (NM_001243247.2); c.948C>T, p.Ser316= (NM_001243248.2, NM_001243249.2).
Identifiers: ClinVar variation 1012385 (VCV001012385.47), dbSNP rs781712669, ClinGen allele CA7769487.

ClinVar aggregate classification (germline): Likely benign. Review status: criteria provided, multiple submitters, no conflicts (2 of 4 stars). 5 submissions from 5 submitters: Likely benign (3). 2 of the submissions do not count toward it. Last evaluated 2025-12-01.

Conditions:
Epilepsy, familial focal, with variable foci 3 (FFEVF3). Identifiers: MedGen C4310708, MONDO:0014925, OMIM 617118.

Allele frequency attached by ClinVar (database versions not stated): gnomAD 0.00001; TOPMed 0.00001; gnomAD exomes 0.00004 and 0.00009; ExAC 0.00014.
gnomAD v4.1: 57 of 1,551,478 alleles (0.0037%); highest among the groups gnomAD compares: South Asian, 0.032%; no homozygotes.

Submissions (5):

CeGaT Center for Human Genetics Tuebingen
Classification: Likely benign. Last evaluated: 2025-12-01. Review status: criteria provided, single submitter. Criteria: CeGaT Center For Human Genetics Tuebingen Variant Classification Criteria Version 2. Collection method: clinical testing. Allele origin: germline. Affected: yes. Observed: 3 variant alleles.
Comment: NPRL3: BP4, BP7

Labcorp Genetics (formerly Invitae), Labcorp
Classification: Likely benign for Epilepsy, familial focal, with variable foci 3. Last evaluated: 2025-03-31. Review status: criteria provided, single submitter. Criteria: Invitae Variant Classification Sherloc (09022015). Collection method: clinical testing. Allele origin: germline.

Blueprint Genetics
Classification: Likely benign. Last evaluated: 2024-10-23. Review status: criteria provided, single submitter. Criteria: ACMG Guidelines, 2015. Collection method: clinical testing. Allele origin: germline.

Clinical Genetics DNA and cytogenetics Diagnostics Lab, Erasmus MC, Erasmus Medical Center
Classification: Likely benign. Review status: no assertion criteria provided. Collection method: clinical testing. Allele origin: germline. Affected: yes. Study: VKGL Data-share Consensus. Not counted in ClinVar's aggregate classification.

Genome Diagnostics Laboratory, University Medical Center Utrecht
Classification: Likely benign. Review status: no assertion criteria provided. Collection method: clinical testing. Allele origin: germline. Affected: yes. Study: VKGL Data-share Consensus. Not counted in ClinVar's aggregate classification.